The following is an entry in ClinVar:

NM_000038.6(APC):c.1169T>A (p.Ile390Asn)

Gene: APC (APC regulator of Wnt signaling pathway; plus strand). Cytogenetic location: 5q22.2.
Variant type: single nucleotide variant.
Coding change: c.1169T>A on transcript NM_000038.6 (MANE Select); coding-DNA position 1169, T replaced by A.
Protein change: p.Ile390Asn; replaces isoleucine 390 with asparagine.
Molecular consequence: missense variant. On other transcripts: intron variant (15), non-coding transcript variant (2).
Genome position (GRCh38, 1-based): chr5:112,819,201, T>A. VCF-style: chr5-112819201-T-A. GRCh37 (hg19) VCF-style: chr5-112154898-T-A.
Other names: c.859-68T>A (NM_001354904.2); c.85-68T>A (NM_001407471.1, NM_001407472.1); c.934-68T>A (NM_001407454.1, NM_001354903.2, NM_001407456.1 and 5 more transcripts); c.850-68T>A (NM_001407467.1, NM_001407469.1); c.757-68T>A (NM_001354905.2); c.1169T>A, p.Ile390Asn (NM_001407448.1, NM_001407449.1, NM_001407450.1 and 4 more transcripts); c.1094T>A, p.Ile365Asn (NM_001407451.1, NM_001354898.2); c.1085T>A, p.Ile362Asn (NM_001407452.1, NM_001354899.2); and 5 more; short protein forms I372N, I390N, I400N, I362N, I365N, I107N, I331N.
Identifiers: ClinVar variation 4843528 (VCV004843528.1).

ClinVar aggregate classification (germline): Uncertain significance (1 of 4 stars; one submission).

Conditions:
Hereditary cancer-predisposing syndrome. Also called: Neoplastic Syndromes, Hereditary; Tumor predisposition; Hereditary Cancer Syndrome; Hereditary neoplastic syndrome. Identifiers: Orphanet 140162, MedGen C0027672, MeSH D009386, MONDO:0015356.

Submission:

Ambry Genetics
Classification: Uncertain significance for Hereditary cancer-predisposing syndrome. Last evaluated: 2025-12-23. Review status: criteria provided, single submitter. Criteria: Ambry Variant Classification Scheme 2023. Collection method: clinical testing. Allele origin: germline.
Comment: The p.I390N variant (also known as c.1169T>A), located in coding exon 9 of the APC gene, results from a T to A substitution at nucleotide position 1169. The isoleucine at codon 390 is replaced by asparagine, an amino acid with dissimilar properties. This amino acid position is conserved. In addition, in silico predictors for this gene do not accurately predict pathogenicity. Based on the available evidence, the clinical significance of this variant remains unclear.